The following is an entry in ClinVar:

ClinVar aggregate classification (germline): Likely benign. Review status: criteria provided, single submitter (1 of 4 stars). 2 submissions from 2 submitters: Likely benign (1). 1 of the submissions does not count toward it. Last evaluated 2025-09-14.

Conditions:
TRRAP-related disorder. Also called: TRRAP-related condition.

Allele frequency attached by ClinVar (database versions not stated): ExAC 0.00003; ESP Exome Variant Server 0.00015; gnomAD exomes 0.00001; gnomAD 0.00007; TOPMed 0.00009.
gnomAD v4.1: 23 of 1,609,654 alleles (0.0014%); highest among the groups gnomAD compares: African/African-American, 0.029%; no homozygotes.

Submissions (2):

Labcorp Genetics (formerly Invitae), Labcorp
Classification: Likely benign. Last evaluated: 2025-09-14. Review status: criteria provided, single submitter. Criteria: Invitae Variant Classification Sherloc (09022015). Collection method: clinical testing. Allele origin: germline.

PreventionGenetics, part of Exact Sciences
Classification: Likely benign for TRRAP-related condition. Last evaluated: 2019-10-14. Review status: no assertion criteria provided. Collection method: clinical testing. Allele origin: germline. Not counted in ClinVar's aggregate classification.
Comment: This variant is classified as likely benign based on ACMG/AMP sequence variant interpretation guidelines (Richards et al. 2015 PMID: 25741868, with internal and published modifications).

NM_001375524.1(TRRAP):c.1479T>C (p.Ala493=)

Gene: TRRAP (transformation/transcription domain associated protein; plus strand). Cytogenetic location: 7q22.1.
Variant type: single nucleotide variant.
Coding change: c.1479T>C on transcript NM_001375524.1 (MANE Select); coding-DNA position 1479, T replaced by C.
Protein change: p.Ala493=; no amino-acid change (alanine 493 retained).
Molecular consequence: synonymous variant.
Genome position (GRCh38, 1-based): chr7:98,910,184, T>C. VCF-style: chr7-98910184-T-C. GRCh37 (hg19) VCF-style: chr7-98507807-T-C.
Other names: c.1479T>C, p.Ala493= (NM_001244580.2, NM_003496.4); c.1479T>C (NM_003496.3).
Identifiers: ClinVar variation 2732358 (VCV002732358.4), dbSNP rs368249001, ClinGen allele CA4359527.
Genomic context (GRCh38, chr7:98,910,184, plus strand): 5'-TCAGTCAGAACTTGGAGCCGTGGAAGCAGCTCTGCCTGGGGTGCCCACTGCCCCTGCAGC[T>C]CCTGGCCCTGCTCCCTCCCCAGCCCCTGTCCCTGCCCCACCTCCACCCCCGCCCCCACCC-3'
Protein context (NP_001362453.1, residues 483-503): ALPGVPTAPA[Ala493=]PGPAPSPAPV